The following is an entry in ClinVar:

NM_206933.4(USH2A):c.12067-2A>C

Gene: USH2A (usherin; minus strand). Cytogenetic location: 1q41.
Variant type: single nucleotide variant.
Coding change: c.12067-2A>C on transcript NM_206933.4 (MANE Select); the canonical splice acceptor site of the intron before coding-DNA position 12067, A replaced by C.
Molecular consequence: splice acceptor variant.
Genome position (GRCh38, 1-based): chr1:215,680,378, T>G on the plus strand (A>C on the coding strand, the complement: USH2A is on the minus strand). VCF-style: chr1-215680378-T-G. GRCh37 (hg19) VCF-style: chr1-215853720-T-G.
Identifiers: ClinVar variation 2823425 (VCV002823425.3), dbSNP rs397517978, ClinGen allele CA344816760.

ClinVar aggregate classification (germline): Pathogenic (1 of 4 stars; one submission).

Submission:

Labcorp Genetics (formerly Invitae), Labcorp
Classification: Pathogenic. Last evaluated: 2022-12-23. Review status: criteria provided, single submitter. Criteria: Invitae Variant Classification Sherloc (09022015). Collection method: clinical testing. Allele origin: germline.
Comment: For these reasons, this variant has been classified as Pathogenic. Algorithms developed to predict the effect of sequence changes on RNA splicing suggest that this variant may disrupt the consensus splice site. Disruption of this splice site has been observed in individuals with Usher syndrome (PMID: 18452394, 22004887, 25404053). This variant is not present in population databases (gnomAD no frequency). This sequence change affects an acceptor splice site in intron 61 of the USH2A gene. It is expected to disrupt RNA splicing. Variants that disrupt the donor or acceptor splice site typically lead to a loss of protein function (PMID: 16199547), and loss-of-function variants in USH2A are known to be pathogenic (PMID: 10729113, 10909849, 20507924, 25649381).

Literature cited by the submitters: PubMed 18452394; PubMed 22004887; PubMed 25404053; PubMed 16199547; PubMed 10729113; PubMed 10909849; PubMed 20507924; PubMed 25649381.